The following is an entry in ClinVar:

NM_005120.3(MED12):c.3653G>A (p.Gly1218Glu)

Gene: MED12 (mediator complex subunit 12; plus strand). Cytogenetic location: Xq13.1.
Variant type: single nucleotide variant.
Coding change: c.3653G>A on transcript NM_005120.3 (MANE Select); coding-DNA position 3653, G replaced by A.
Protein change: p.Gly1218Glu; replaces glycine 1218 with glutamic acid.
Molecular consequence: missense variant.
Genome position (GRCh38, 1-based): chrX:71,129,391, G>A. VCF-style: chrX-71129391-G-A. GRCh37 (hg19) VCF-style: chrX-70349241-G-A.
Other names: short protein forms G1218E.
Identifiers: ClinVar variation 1210243 (VCV001210243.2), dbSNP rs2147805960, ClinGen allele CA413520349.
Genomic context (GRCh38, chrX:71,129,391, plus strand): 5'-GAATCCGCTCCTCCTGCGACCGCCACCTGCTGGCTGCCTCCCAGAACCGCATCGTGGATG[G>A]AGCCGTGTTTGCTGTTCTCAAGGCTGTGTTTGTACTTGGTACGGGGGTAGGAAGGGAGTG-3'
Protein context (NP_005111.2, residues 1208-1228): LAASQNRIVD[Gly1218Glu]AVFAVLKAVF

ClinVar aggregate classification (germline): not provided (0 of 4 stars; one submission).

Conditions:
FG syndrome 1 (OKS). Also called: OPITZ-KAVEGGIA SYNDROME; KELLER SYNDROME; MENTAL RETARDATION, LARGE HEAD, IMPERFORATE ANUS, CONGENITAL HYPOTONIA, AND PARTIAL AGENESIS OF CORPUS CALLOSUM; FG Syndrome Type 1 (FGS1). Identifiers: Orphanet 93932, MedGen C5399762, MONDO:0010590, OMIM 305450.

Submission:

GeneReviews
No classification provided. Condition: FG syndrome. Review status: no classification provided. Collection method: literature only. Allele origin: germline.

Literature cited by the submitters: PubMed 33244165; PubMed 20301719.